The following is an entry in ClinVar:

ClinVar aggregate classification (germline): Uncertain significance (0 of 4 stars; one submission).

Conditions:
PLXNA2-related disorder. Also called: PLXNA2-related condition.

Submission:

PreventionGenetics, part of Exact Sciences
Classification: Uncertain significance for PLXNA2-related condition. Last evaluated: 2024-09-12. Review status: no assertion criteria provided. Collection method: clinical testing. Allele origin: germline.
Comment: The PLXNA2 c.3134G>T variant is predicted to result in the amino acid substitution p.Arg1045Leu. To our knowledge, this variant has not been reported in the literature. This variant is reported in 0.0053% of alleles in individuals of European (Non-Finnish) descent in gnomAD. At this time, the clinical significance of this variant is uncertain due to the absence of conclusive functional and genetic evidence.

NM_025179.4(PLXNA2):c.3134G>T (p.Arg1045Leu)

Gene: PLXNA2 (plexin A2; minus strand). Cytogenetic location: 1q32.2.
Variant type: single nucleotide variant.
Coding change: c.3134G>T on transcript NM_025179.4 (MANE Select); coding-DNA position 3134, G replaced by T.
Protein change: p.Arg1045Leu; replaces arginine 1045 with leucine.
Molecular consequence: missense variant.
Genome position (GRCh38, 1-based): chr1:208,051,283, C>A on the plus strand (G>T on the coding strand, the complement: PLXNA2 is on the minus strand). VCF-style: chr1-208051283-C-A. GRCh37 (hg19) VCF-style: chr1-208224628-C-A.
Other names: short protein forms R1045L.
Identifiers: ClinVar variation 3350231 (VCV003350231.1).